The following is an entry in ClinVar:

ClinVar aggregate classification (germline): Likely pathogenic (0 of 4 stars; one submission).

Conditions:
GJA8-related disorder. Also called: GJA8-related condition.

Submission:

PreventionGenetics, part of Exact Sciences
Classification: Likely pathogenic for GJA8-related condition. Last evaluated: 2024-04-23. Review status: no assertion criteria provided. Collection method: clinical testing. Allele origin: germline.
Comment: The GJA8 c.506delA variant is predicted to result in a frameshift and premature protein termination (p.His169Profs*53). To our knowledge, this variant has not been reported in the literature or in a large population database, indicating this variant is rare. Frameshift variants in GJA8 are expected to be pathogenic. This variant is interpreted as likely pathogenic.

NM_005267.5(GJA8):c.506del (p.His169fs)

Gene: GJA8 (gap junction protein alpha 8; plus strand). Cytogenetic location: 1q21.2.
Variant type: Deletion.
Coding change: c.506del on transcript NM_005267.5 (MANE Select); coding-DNA position 506, one base deleted (A; older notation c.506delA).
Protein change: p.His169fs; shifts the reading frame from histidine 169.
Molecular consequence: frameshift variant.
Genome position (GRCh38, 1-based): chr1:147,908,461, A deleted. VCF-style (leftmost placement, unchanged base first): chr1-147908460-CA-C. GRCh37 (hg19) VCF-style: chr1-147380587-CA-C.
Other names: short protein forms H169fs.
Identifiers: ClinVar variation 3352075 (VCV003352075.1).